The following is an entry in ClinVar:

NM_000026.4(ADSL):c.702-2A>G

Gene: ADSL (adenylosuccinate lyase; plus strand). Cytogenetic location: 22q13.1.
Variant type: single nucleotide variant.
Coding change: c.702-2A>G on transcript NM_000026.4 (MANE Select); the canonical splice acceptor site of the intron before coding-DNA position 702, A replaced by G.
Molecular consequence: splice acceptor variant.
Genome position (GRCh38, 1-based): chr22:40,360,400, A>G. VCF-style: chr22-40360400-A-G. GRCh37 (hg19) VCF-style: chr22-40756404-A-G.
Other names: c.702-2A>G (NM_001363840.3, NM_001410812.1, NM_001123378.3 and 1 more transcripts); c.657-2A>G (NM_001410814.1); c.510-2A>G (NM_001317923.2).
Identifiers: ClinVar variation 1346708 (VCV001346708.7), dbSNP rs1268264761, ClinGen allele CA411642352.

ClinVar aggregate classification (germline): Likely pathogenic (1 of 4 stars; one submission).

Conditions:
Adenylosuccinate lyase deficiency (ADSLD). Also called: ADSL DEFICIENCY. Identifiers: Orphanet 46, MedGen C0268126, MONDO:0007068, OMIM 103050.

Allele frequency attached by ClinVar (database versions not stated): gnomAD exomes below 0.00001 and 0.00001; gnomAD 0.00001; TOPMed 0.00001.
gnomAD v4.1: 16 of 1,611,308 alleles (0.00099%); highest among the groups gnomAD compares: Non-Finnish European, 0.0014%; no homozygotes.

Submission:

Labcorp Genetics (formerly Invitae), Labcorp
Classification: Likely pathogenic for Adenylosuccinate lyase deficiency. Last evaluated: 2022-11-22. Review status: criteria provided, single submitter. Criteria: Invitae Variant Classification Sherloc (09022015). Collection method: clinical testing. Allele origin: germline.
Comment: In summary, the currently available evidence indicates that the variant is pathogenic, but additional data are needed to prove that conclusively. Therefore, this variant has been classified as Likely Pathogenic. Algorithms developed to predict the effect of sequence changes on RNA splicing suggest that this variant may disrupt the consensus splice site. ClinVar contains an entry for this variant (Variation ID: 1346708). This variant has not been reported in the literature in individuals affected with ADSL-related conditions. This variant is present in population databases (no rsID available, gnomAD 0.0009%). This sequence change affects an acceptor splice site in intron 6 of the ADSL gene. It is expected to disrupt RNA splicing. Variants that disrupt the donor or acceptor splice site typically lead to a loss of protein function (PMID: 16199547), and loss-of-function variants in ADSL are known to be pathogenic (PMID: 10888601, 20177786).

Literature cited by the submitters: PubMed 16199547; PubMed 10888601; PubMed 20177786.